The following is an entry in ClinVar:

ClinVar aggregate classification (germline): Uncertain significance (1 of 4 stars; one submission).

Submission:

Labcorp Genetics (formerly Invitae), Labcorp
Classification: Uncertain significance. Last evaluated: 2023-01-12. Review status: criteria provided, single submitter. Criteria: Invitae Variant Classification Sherloc (09022015). Collection method: clinical testing. Allele origin: germline.
Comment: This sequence change replaces proline, which is neutral and non-polar, with threonine, which is neutral and polar, at codon 192 of the GNAS protein (p.Pro192Thr). This variant is not present in population databases (gnomAD no frequency). This variant has not been reported in the literature in individuals affected with GNAS-related conditions. Advanced modeling of protein sequence and biophysical properties (such as structural, functional, and spatial information, amino acid conservation, physicochemical variation, residue mobility, and thermodynamic stability) performed at Invitae indicates that this missense variant is expected to disrupt GNAS protein function. In summary, the available evidence is currently insufficient to determine the role of this variant in disease. Therefore, it has been classified as a Variant of Uncertain Significance.

NM_000516.7(GNAS):c.574C>A (p.Pro192Thr)

Gene: GNAS (GNAS complex locus; plus strand). Cytogenetic location: 20q13.32.
Variant type: single nucleotide variant.
Coding change: c.574C>A on transcript NM_000516.7 (MANE Select); coding-DNA position 574, C replaced by A.
Protein change: p.Pro192Thr; replaces proline 192 with threonine.
Molecular consequence: missense variant. On other transcripts: 3 prime UTR variant (2).
Genome position (GRCh38, 1-based): chr20:58,909,205, C>A. VCF-style: chr20-58909205-C-A. GRCh37 (hg19) VCF-style: chr20-57484260-C-A.
Other names: c.577C>A, p.Pro193Thr (NM_001077488.5); c.529C>A, p.Pro177Thr (NM_001077489.4); c.*435C>A (NM_001077490.3); c.397C>A, p.Pro133Thr (NM_001309840.2, NM_001309861.2); c.478C>A, p.Pro160Thr (NM_001410912.1); c.2458C>A, p.Pro820Thr (NM_001410913.1); c.*480C>A (NM_016592.5); c.2503C>A, p.Pro835Thr (NM_080425.4); and 1 more; short protein forms P160T, P192T, P820T, P177T, P835T, P178T, P193T, P133T.
Identifiers: ClinVar variation 2824822 (VCV002824822.3), dbSNP rs2146265400, ClinGen allele CA409452039.